The following is an entry in ClinVar:

ClinVar aggregate classification (germline): Conflicting classifications of pathogenicity. Review status: criteria provided, conflicting classifications (1 of 4 stars). 5 submissions from 5 submitters: Uncertain significance (4); Likely benign (1). Last evaluated 2026-04-11.

Conditions:
Peroxisome biogenesis disorder, complementation group K (CGK). Identifiers: MedGen C1866257, MONDO:0800365.
Inborn genetic diseases. Identifiers: MedGen C0950123, MeSH D030342.
PEX14-related disorder. Also called: PEX14-related condition.
Peroxisome biogenesis disorder 13A (Zellweger). Also called: Peroxisome biogenesis disorder 13A. Identifiers: Orphanet 912, MedGen C3554004, MONDO:0013952, OMIM 614887.

Allele frequency attached by ClinVar (database versions not stated): 1000 Genomes Project 30x 0.00016; 1000 Genomes Project 0.00020; TOPMed 0.00026; gnomAD 0.00029; ESP Exome Variant Server 0.00046.
gnomAD v4.1: 80 of 1,613,860 alleles (0.005%); highest among the groups gnomAD compares: African/African-American, 0.085%; no homozygotes.

Submissions (5):

PreventionGenetics, part of Exact Sciences
Classification: Uncertain significance for PEX14-related condition. Last evaluated: 2026-04-11. Review status: criteria provided, single submitter. Criteria: ACMG Guidelines, 2015. Collection method: clinical testing. Allele origin: germline.
Comment: The PEX14 c.416G>A variant is predicted to result in the amino acid substitution p.Arg139Gln. To our knowledge, this variant has not been reported in the literature. This variant is reported in 0.080% of alleles in individuals of African descent in gnomAD. Although we suspect that this variant may be benign, at this time, the clinical significance of this variant is uncertain due to the absence of conclusive functional and genetic evidence.

Ambry Genetics
Classification: Likely benign for Inborn genetic diseases. Last evaluated: 2025-04-04. Review status: criteria provided, single submitter. Criteria: Ambry Variant Classification Scheme 2023. Collection method: clinical testing. Allele origin: germline.

Labcorp Genetics (formerly Invitae), Labcorp
Classification: Uncertain significance for Peroxisome biogenesis disorder, complementation group K. Last evaluated: 2024-12-24. Review status: criteria provided, single submitter. Criteria: Invitae Variant Classification Sherloc (09022015). Collection method: clinical testing. Allele origin: germline.
Comment: This sequence change replaces arginine, which is basic and polar, with glutamine, which is neutral and polar, at codon 139 of the PEX14 protein (p.Arg139Gln). This variant is present in population databases (rs147683525, gnomAD 0.08%). This variant has not been reported in the literature in individuals affected with PEX14-related conditions. ClinVar contains an entry for this variant (Variation ID: 595683). Invitae Evidence Modeling of protein sequence and biophysical properties (such as structural, functional, and spatial information, amino acid conservation, physicochemical variation, residue mobility, and thermodynamic stability) indicates that this missense variant is not expected to disrupt PEX14 protein function with a negative predictive value of 80%. In summary, the available evidence is currently insufficient to determine the role of this variant in disease. Therefore, it has been classified as a Variant of Uncertain Significance.

Fulgent Genetics
Classification: Uncertain significance for Peroxisome biogenesis disorder 13A (Zellweger). Last evaluated: 2021-11-10. Review status: criteria provided, single submitter. Criteria: ACMG Guidelines, 2015. Collection method: clinical testing. Allele origin: unknown.

Eurofins Ntd Llc (ga)
Classification: Uncertain significance. Last evaluated: 2018-01-09. Review status: criteria provided, single submitter. Criteria: EGL Classification Definitions 2015. Collection method: clinical testing. Allele origin: germline. Observed: 2 variant alleles, 2 heterozygotes.

NM_004565.3(PEX14):c.416G>A (p.Arg139Gln)

Gene: PEX14 (peroxisomal biogenesis factor 14; plus strand). Cytogenetic location: 1p36.22.
Variant type: single nucleotide variant.
Coding change: c.416G>A on transcript NM_004565.3 (MANE Select); coding-DNA position 416, G replaced by A.
Protein change: p.Arg139Gln; replaces arginine 139 with glutamine.
Molecular consequence: missense variant.
Genome position (GRCh38, 1-based): chr1:10,623,050, G>A. VCF-style: chr1-10623050-G-A. GRCh37 (hg19) VCF-style: chr1-10683107-G-A.
Other names: short protein forms R139Q.
Identifiers: ClinVar variation 595683 (VCV000595683.14), dbSNP rs147683525, ClinGen allele CA583846.